The following is an entry in ClinVar:

ClinVar aggregate classification (germline): Uncertain significance. Review status: criteria provided, multiple submitters, no conflicts (2 of 4 stars). 2 submissions from 2 submitters: Uncertain significance (2). Last evaluated 2026-01-05.

Conditions:
Inborn genetic diseases. Identifiers: MedGen C0950123, MeSH D030342.
Nephronophthisis. Also called: Juvenile Nephronophthisis. Identifiers: Orphanet 655, MedGen C0687120, MONDO:0019005, HP:0000090.

Allele frequency attached by ClinVar (database versions not stated): gnomAD exomes below 0.00001; TOPMed 0.00001; gnomAD 0.00003.
gnomAD v4.1: 4 of 1,610,570 alleles (0.00025%); highest among the groups gnomAD compares: Admixed American, 0.0067%; no homozygotes.

Submissions (2):

Labcorp Genetics (formerly Invitae), Labcorp
Classification: Uncertain significance for Nephronophthisis. Last evaluated: 2026-01-05. Review status: criteria provided, single submitter. Criteria: Invitae Variant Classification Sherloc (09022015). Collection method: clinical testing. Allele origin: germline.
Comment: This sequence change replaces isoleucine, which is neutral and non-polar, with valine, which is neutral and non-polar, at codon 244 of the IQCB1 protein (p.Ile244Val). This variant is present in population databases (no rsID available, gnomAD 0.003%). This variant has not been reported in the literature in individuals affected with IQCB1-related conditions. ClinVar contains an entry for this variant (Variation ID: 1428446). Invitae Evidence Modeling of protein sequence and biophysical properties (such as structural, functional, and spatial information, amino acid conservation, physicochemical variation, residue mobility, and thermodynamic stability) indicates that this missense variant is not expected to disrupt IQCB1 protein function with a negative predictive value of 80%. In summary, the available evidence is currently insufficient to determine the role of this variant in disease. Therefore, it has been classified as a Variant of Uncertain Significance.

Ambry Genetics
Classification: Uncertain significance for Inborn genetic diseases. Last evaluated: 2025-04-07. Review status: criteria provided, single submitter. Criteria: Ambry Variant Classification Scheme 2023. Collection method: clinical testing. Allele origin: germline.

NM_001023570.4(IQCB1):c.730A>G (p.Ile244Val)

Gene: IQCB1 (IQ motif containing B1; minus strand). Cytogenetic location: 3q13.33.
Variant type: single nucleotide variant.
Coding change: c.730A>G on transcript NM_001023570.4 (MANE Select); coding-DNA position 730, A replaced by G.
Protein change: p.Ile244Val; replaces isoleucine 244 with valine.
Molecular consequence: missense variant. On other transcripts: non-coding transcript variant (1), intron variant (1).
Genome position (GRCh38, 1-based): chr3:121,799,232, T>C on the plus strand (A>G on the coding strand, the complement: IQCB1 is on the minus strand). VCF-style: chr3-121799232-T-C. GRCh37 (hg19) VCF-style: chr3-121518079-T-C.
Other names: c.730A>G (NM_001023570.2); c.730A>G, p.Ile244Val (NM_001319107.2); c.587+8112A>G (NM_001023571.4); short protein forms I244V.
Identifiers: ClinVar variation 1428446 (VCV001428446.7), dbSNP rs1040002145, ClinGen allele CA82686748.